The following is an entry in ClinVar:

NM_175053.4(KRT74):c.202G>T (p.Val68Phe)

Gene: KRT74 (keratin 74; minus strand). Cytogenetic location: 12q13.13.
Variant type: single nucleotide variant.
Coding change: c.202G>T on transcript NM_175053.4 (MANE Select); coding-DNA position 202, G replaced by T.
Protein change: p.Val68Phe; replaces valine 68 with phenylalanine.
Molecular consequence: missense variant.
Genome position (GRCh38, 1-based): chr12:52,573,576, C>A on the plus strand (G>T on the coding strand, the complement: KRT74 is on the minus strand). VCF-style: chr12-52573576-C-A. GRCh37 (hg19) VCF-style: chr12-52967360-C-A.
Other names: c.202G>T (NM_175053.3); short protein forms V68F.
Identifiers: ClinVar variation 3621687 (VCV003621687.3).
Genomic context (GRCh38, chr12:52,573,576, plus strand): 5'-CACTGGCCCGGCCCCCTCCATACCCAGAGCCAGGCCTGAAGCCGTAACCTCCAGCCCGAA[C>A]GCCGCCACCAGCCACATTGAAAGAAATACGCCGATTCCCTCCAAGGCTATAGAGGCTCCG-3'
Protein context (NP_778223.2, residues 58-78): RISFNVAGGG[Val68Phe]RAGGYGFRPG

ClinVar aggregate classification (germline): Uncertain significance. Review status: criteria provided, multiple submitters, no conflicts (2 of 4 stars). 2 submissions from 2 submitters: Uncertain significance (2). Last evaluated 2024-12-24.

gnomAD v4.1: 6 of 1,613,972 alleles (0.00037%); highest among the groups gnomAD compares: Non-Finnish European, 0.00034%; no homozygotes.

Submissions (2):

Ambry Genetics
Classification: Uncertain significance. Last evaluated: 2024-12-24. Review status: criteria provided, single submitter. Criteria: Ambry Variant Classification Scheme 2023. Collection method: clinical testing. Allele origin: germline.

Labcorp Genetics (formerly Invitae), Labcorp
Classification: Uncertain significance. Last evaluated: 2024-05-21. Review status: criteria provided, single submitter. Criteria: Invitae Variant Classification Sherloc (09022015). Collection method: clinical testing. Allele origin: germline.
Comment: This sequence change replaces valine, which is neutral and non-polar, with phenylalanine, which is neutral and non-polar, at codon 68 of the KRT74 protein (p.Val68Phe). This variant is not present in population databases (gnomAD no frequency). This variant has not been reported in the literature in individuals affected with KRT74-related conditions. Advanced modeling of protein sequence and biophysical properties (such as structural, functional, and spatial information, amino acid conservation, physicochemical variation, residue mobility, and thermodynamic stability) performed at Invitae indicates that this missense variant is not expected to disrupt KRT74 protein function with a negative predictive value of 80%. In summary, the available evidence is currently insufficient to determine the role of this variant in disease. Therefore, it has been classified as a Variant of Uncertain Significance.